The following is an entry in ClinVar:

ClinVar aggregate classification (germline): Uncertain significance (1 of 4 stars; one submission).

Allele frequency attached by ClinVar (database versions not stated): TOPMed 0.00001; gnomAD 0.00002; gnomAD exomes 0.00002.
gnomAD v4.1: 28 of 1,611,048 alleles (0.0017%); highest among the groups gnomAD compares: Non-Finnish European, 0.0024%; no homozygotes.

Submission:

Labcorp Genetics (formerly Invitae), Labcorp
Classification: Uncertain significance. Last evaluated: 2023-07-10. Review status: criteria provided, single submitter. Criteria: Invitae Variant Classification Sherloc (09022015). Collection method: clinical testing. Allele origin: germline.
Comment: This sequence change replaces threonine, which is neutral and polar, with alanine, which is neutral and non-polar, at codon 397 of the MKL1 protein (p.Thr397Ala). In summary, the available evidence is currently insufficient to determine the role of this variant in disease. Therefore, it has been classified as a Variant of Uncertain Significance. Algorithms developed to predict the effect of missense changes on protein structure and function output the following: SIFT: "Not Available"; PolyPhen-2: "Benign"; Align-GVGD: "Not Available". The alanine amino acid residue is found in multiple mammalian species, which suggests that this missense change does not adversely affect protein function. This variant has not been reported in the literature in individuals affected with MKL1-related conditions. This variant is not present in population databases (gnomAD no frequency).

NM_020831.6(MRTFA):c.1489A>G (p.Thr497Ala)

Gene: MRTFA (myocardin related transcription factor A; minus strand). Cytogenetic location: 22q13.1.
Variant type: single nucleotide variant.
Coding change: c.1489A>G on transcript NM_020831.6 (MANE Select); coding-DNA position 1489, A replaced by G.
Protein change: p.Thr497Ala; replaces threonine 497 with alanine.
Molecular consequence: missense variant.
Genome position (GRCh38, 1-based): chr22:40,419,249, T>C on the plus strand (A>G on the coding strand, the complement: MRTFA is on the minus strand). VCF-style: chr22-40419249-T-C. GRCh37 (hg19) VCF-style: chr22-40815253-T-C.
Other names: c.1189A>G, p.Thr397Ala (NM_001282660.2); c.1339A>G, p.Thr447Ala (NM_001282661.3); c.1489A>G, p.Thr497Ala (NM_001282662.3); c.1294A>G, p.Thr432Ala (NM_001318139.2); short protein forms T397A, T432A, T447A, T497A.
Identifiers: ClinVar variation 2966328 (VCV002966328.3), dbSNP rs1217533941, ClinGen allele CA411662280.